The following is an entry in ClinVar:

NM_002299.4(LCT):c.4174-9C>T

Gene: LCT (lactase; minus strand). Cytogenetic location: 2q21.3.
Variant type: single nucleotide variant.
Coding change: c.4174-9C>T on transcript NM_002299.4 (MANE Select); 9 bases into the intron before coding-DNA position 4174, C replaced by T.
Molecular consequence: intron variant.
Genome position (GRCh38, 1-based): chr2:135,805,066, G>A on the plus strand (C>T on the coding strand, the complement: LCT is on the minus strand). VCF-style: chr2-135805066-G-A. GRCh37 (hg19) VCF-style: chr2-136562636-G-A.
Other names: c.4174-9C>T (NM_002299.3).
Identifiers: ClinVar variation 1099700 (VCV001099700.13), dbSNP rs142467054, ClinGen allele CA1887898.

ClinVar aggregate classification (germline): Likely benign. Review status: criteria provided, multiple submitters, no conflicts (2 of 4 stars). 4 submissions from 4 submitters: Likely benign (3). 1 of the submissions does not count toward it. Last evaluated 2025-12-21.

Conditions:
LCT-related disorder. Also called: LCT-related condition.

Allele frequency attached by ClinVar (database versions not stated): ExAC 0.00013; ESP Exome Variant Server 0.00015; 1000 Genomes Project 30x 0.00016; TOPMed 0.00017; gnomAD 0.00019 and 0.00021; 1000 Genomes Project 0.00020.
gnomAD v4.1: 153 of 1,613,828 alleles (0.0095%); highest among the groups gnomAD compares: African/African-American, 0.037%; no homozygotes.

Submissions (4):

Labcorp Genetics (formerly Invitae), Labcorp
Classification: Likely benign. Last evaluated: 2025-12-21. Review status: criteria provided, single submitter. Criteria: Invitae Variant Classification Sherloc (09022015). Collection method: clinical testing. Allele origin: germline.

Blueprint Genetics
Classification: Likely benign. Last evaluated: 2024-11-25. Review status: criteria provided, single submitter. Criteria: ACMG Guidelines, 2015. Collection method: clinical testing. Allele origin: germline.

Breakthrough Genomics
Classification: Likely benign. Review status: criteria provided, single submitter. Criteria: ACMG Guidelines, 2015. Collection method: not provided. Allele origin: germline. Inheritance: Autosomal recessive inheritance. Affected: yes.

PreventionGenetics, part of Exact Sciences
Classification: Likely benign for LCT-related condition. Last evaluated: 2023-10-18. Review status: no assertion criteria provided. Collection method: clinical testing. Allele origin: germline. Not counted in ClinVar's aggregate classification.
Comment: This variant is classified as likely benign based on ACMG/AMP sequence variant interpretation guidelines (Richards et al. 2015 PMID: 25741868, with internal and published modifications).